The following is an entry in ClinVar:

ClinVar aggregate classification (germline): Uncertain significance (1 of 4 stars; one submission).

Conditions:
Intellectual disability, autosomal recessive 42 (NEDDSBA). Also called: Neurodevelopmental disorder with dysmorphic features, spasticity, and brain abnormalities; GLYCOSYLPHOSPHATIDYLINOSITOL BIOSYNTHESIS DEFECT 9. Identifiers: Orphanet 88616, MedGen C4014343, MONDO:0014348, OMIM 615802.

Allele frequency attached by ClinVar (database versions not stated): gnomAD exomes 0.00002; ExAC 0.00001; gnomAD 0.00001; TOPMed 0.00002.
gnomAD v4.1: 32 of 1,613,030 alleles (0.002%); highest among the groups gnomAD compares: Middle Eastern, 0.016%; no homozygotes.

Submission:

Labcorp Genetics (formerly Invitae), Labcorp
Classification: Uncertain significance for Intellectual disability, autosomal recessive 42. Last evaluated: 2022-07-15. Review status: criteria provided, single submitter. Criteria: Invitae Variant Classification Sherloc (09022015). Collection method: clinical testing. Allele origin: germline.
Comment: In summary, the available evidence is currently insufficient to determine the role of this variant in disease. Therefore, it has been classified as a Variant of Uncertain Significance. This sequence change replaces threonine, which is neutral and polar, with isoleucine, which is neutral and non-polar, at codon 673 of the PGAP1 protein (p.Thr673Ile). This variant is present in population databases (rs773607126, gnomAD 0.003%). This variant has not been reported in the literature in individuals affected with PGAP1-related conditions. Algorithms developed to predict the effect of missense changes on protein structure and function are either unavailable or do not agree on the potential impact of this missense change (SIFT: "Deleterious"; PolyPhen-2: "Possibly Damaging"; Align-GVGD: "Class C15").

NM_024989.4(PGAP1):c.2018C>T (p.Thr673Ile)

Gene: PGAP1 (post-GPI attachment to proteins inositol deacylase 1; minus strand). Cytogenetic location: 2q33.1.
Variant type: single nucleotide variant.
Coding change: c.2018C>T on transcript NM_024989.4 (MANE Select); coding-DNA position 2018, C replaced by T.
Protein change: p.Thr673Ile; replaces threonine 673 with isoleucine.
Molecular consequence: missense variant.
Genome position (GRCh38, 1-based): chr2:196,847,135, G>A on the plus strand (C>T on the coding strand, the complement: PGAP1 is on the minus strand). VCF-style: chr2-196847135-G-A. GRCh37 (hg19) VCF-style: chr2-197711859-G-A.
Other names: c.1496C>T, p.Thr499Ile (NM_001321099.2); c.851C>T, p.Thr284Ile (NM_001321100.2); short protein forms T284I, T499I, T673I.
Identifiers: ClinVar variation 2069574 (VCV002069574.4), dbSNP rs773607126, ClinGen allele CA2040728.